The following is an entry in ClinVar:

ClinVar aggregate classification (germline): Uncertain significance (1 of 4 stars; one submission).

Submission:

Ambry Genetics
Classification: Uncertain significance. Last evaluated: 2024-12-01. Review status: criteria provided, single submitter. Criteria: Ambry Variant Classification Scheme 2023. Collection method: clinical testing. Allele origin: germline.
Comment: The p.H337N variant (also known as c.1009C>A), located in coding exon 10 of the SRP72 gene, results from a C to A substitution at nucleotide position 1009. The histidine at codon 337 is replaced by asparagine, an amino acid with similar properties. This amino acid position is conserved. In addition, this alteration is predicted to be tolerated by in silico analysis. Based on the available evidence, the clinical significance of this variant remains unclear.

NM_006947.4(SRP72):c.1009C>A (p.His337Asn)

Gene: SRP72 (signal recognition particle 72; plus strand). Cytogenetic location: 4q12.
Variant type: single nucleotide variant.
Coding change: c.1009C>A on transcript NM_006947.4 (MANE Select); coding-DNA position 1009, C replaced by A.
Protein change: p.His337Asn; replaces histidine 337 with asparagine.
Molecular consequence: missense variant. On other transcripts: non-coding transcript variant (1).
Genome position (GRCh38, 1-based): chr4:56,484,787, C>A. VCF-style: chr4-56484787-C-A. GRCh37 (hg19) VCF-style: chr4-57350953-C-A.
Other names: c.826C>A, p.His276Asn (NM_001267722.2); short protein forms H337N, H276N.
Identifiers: ClinVar variation 3449422 (VCV003449422.1).
Genomic context (GRCh38, chr4:56,484,787, plus strand): 5'-ATCTTCTAGGCTGAACAATGCCGCAAAATATCTGCCAGTTTACAGTCCCAAAGTCCCGAG[C>A]ATCTCTTACCTGTGTTAATCCAAGCTGCCCAGCTCTGCCGTGAAAAGCAGCACACAAAAG-3'
Protein context (NP_008878.3, residues 327-347): SASLQSQSPE[His337Asn]LLPVLIQAAQ